The following is an entry in ClinVar:

NM_001267550.2(TTN):c.87707-4G>T

Genes: TTN (titin; minus strand), TTN-AS1 (TTN antisense RNA 1; plus strand). Cytogenetic location: 2q31.2.
Variant type: single nucleotide variant.
Coding change: c.87707-4G>T on transcript NM_001267550.2 (MANE Select); 4 bases into the intron before coding-DNA position 87707, G replaced by T.
Molecular consequence: intron variant.
Genome position (GRCh38, 1-based): chr2:178,557,559, C>A on the plus strand (G>T on the coding strand, the complement: TTN is on the minus strand). VCF-style: chr2-178557559-C-A. GRCh37 (hg19) VCF-style: chr2-179422286-C-A.
Other names: p.?; c.60512-4G>T (NM_003319.4); c.61088-4G>T (NM_133437.4); c.60887-4G>T (NM_133432.3); c.80003-4G>T (NM_133378.4); c.82784-4G>T (NM_001256850.1); c.87707-4G>T (NM_001267550.1).
Identifiers: ClinVar variation 96312 (VCV000096312.84), dbSNP rs201770959, ClinGen allele CA211128.
Genomic context (GRCh38, chr2:178,557,559, plus strand): 5'-TGATGCTTTCTCGAGTAACATTAGTGACCCATGGTGTAGATGGTGGTCCAGGTGTTGCTA[C>A]AAAAGAGAGAAATCCTATAGATTAGTACAGACAATAACACATTTATGGTAAAAGAAAACC-3'

ClinVar aggregate classification (germline): Conflicting classifications of pathogenicity. Review status: criteria provided, conflicting classifications (1 of 4 stars). 24 submissions from 20 submitters: Uncertain significance (3); Benign (10); Likely benign (5). 6 of the submissions do not count toward it. Last evaluated 2026-10-01.

Conditions:
Cardiovascular phenotype. Identifiers: MedGen CN230736.
Dilated cardiomyopathy 1G (CMD1G). Identifiers: Orphanet 154, MedGen C1858763, MONDO:0011400, OMIM 604145.
Autosomal recessive limb-girdle muscular dystrophy type 2J (LGMDR10). Also called: Limb-girdle muscular dystrophy, type 2J; MUSCULAR DYSTROPHY, LIMB-GIRDLE, AUTOSOMAL RECESSIVE 10. Identifiers: Orphanet 140922, MedGen C1837342, MONDO:0012127, OMIM 608807.
Cardiomyopathy (CMYO). Also called: Cardiomyopathies. Identifiers: Orphanet 167848, MedGen C0878544, MONDO:0004994, HP:0001638. Inheritance: Various modes of inheritance.
Tibial muscular dystrophy (TMD). Also called: UDD MYOPATHY; Tibial muscular dystrophy, tardive; Udd Distal Myopathy – Tibial Muscular Dystrophy. Identifiers: Orphanet 609, MedGen C1838244, MONDO:0010870, OMIM 600334.
Early-onset myopathy with fatal cardiomyopathy (CMYO5). Also called: Salih Myopathy; CONGENITAL MYOPATHY 5 WITH CARDIOMYOPATHY. Identifiers: Orphanet 289377, MedGen C2673677, MONDO:0012714, OMIM 611705. Disease mechanism: loss of function.
Myopathy, myofibrillar, 9, with early respiratory failure (MFM9). Also called: Hereditary myopathy with early respiratory failure; MYOPATHY, PROXIMAL, WITH EARLY RESPIRATORY MUSCLE INVOLVEMENT; Myopathy, distal, with early respiratory failure, autosomal dominant; EDSTROM MYOPATHY. Identifiers: Orphanet 178464, Orphanet 34521, MedGen C1863599, MONDO:0011362, OMIM 603689.

Allele frequency attached by ClinVar (database versions not stated): TOPMed 0.00179; gnomAD 0.00193 and 0.00206; 1000 Genomes Project 30x 0.00094; gnomAD exomes 0.00175 and 0.00288; 1000 Genomes Project 0.00080; ExAC 0.00166; ESP Exome Variant Server 0.00181.
gnomAD v4.1: 4,449 of 1,609,070 alleles (0.28%); highest among the groups gnomAD compares: Non-Finnish European, 0.35%; 14 homozygotes.

Submissions (24):

CeGaT Center for Human Genetics Tuebingen
Classification: Likely benign. Last evaluated: 2026-10-01. Review status: criteria provided, single submitter. Criteria: CeGaT Center For Human Genetics Tuebingen Variant Classification Criteria Version 2. Collection method: clinical testing. Allele origin: germline. Affected: yes. Observed: 10 variant alleles.
Comment: TTN: BP4, BS2

Labcorp Genetics (formerly Invitae), Labcorp
Classification: Benign for Dilated cardiomyopathy 1G; Autosomal recessive limb-girdle muscular dystrophy type 2J. Last evaluated: 2026-02-03. Review status: criteria provided, single submitter. Criteria: Invitae Variant Classification Sherloc (09022015). Collection method: clinical testing. Allele origin: germline.

Mayo Clinic Laboratories, Mayo Clinic
Classification: Benign. Last evaluated: 2025-10-03. Review status: criteria provided, single submitter. Criteria: ACMG Guidelines, 2015. Collection method: clinical testing. Allele origin: germline. Observed: 12 variant alleles.
Comment: BS1, BS2, BP4, BP7

Molecular Diagnostic Laboratory for Inherited Cardiovascular Disease, Montreal Heart Institute
Classification: Likely benign. Last evaluated: 2025-04-09. Review status: criteria provided, single submitter. Criteria: ACMG Guidelines, 2015. Collection method: clinical testing. Allele origin: germline. Affected: no.

Blueprint Genetics
Classification: Likely benign. Last evaluated: 2024-11-25. Review status: criteria provided, single submitter. Criteria: ACMG Guidelines, 2015. Collection method: clinical testing. Allele origin: germline.

Athena Diagnostics
Classification: Benign. Last evaluated: 2024-04-11. Review status: criteria provided, single submitter. Criteria: Athena Diagnostics Criteria. Collection method: clinical testing. Allele origin: unknown.

ARUP Laboratories, Molecular Genetics and Genomics, ARUP Laboratories
Classification: Benign. Last evaluated: 2021-04-14. Review status: criteria provided, single submitter. Criteria: ARUP Molecular Germline Variant Investigation Process 2021. Collection method: clinical testing. Allele origin: germline.

Women's Health and Genetics/Laboratory Corporation of America, LabCorp
Classification: Benign. Last evaluated: 2021-03-25. Review status: criteria provided, single submitter. Criteria: LabCorp Variant Classification Summary - May 2015. Collection method: clinical testing. Allele origin: germline.
Comment: Variant summary: TTN c.80003-4G>T alters a non-conserved nucleotide located close to a canonical splice site and therefore could affect mRNA splicing, leading to a significantly altered protein sequence. 4/4 computational tools predict no significant impact on normal splicing. However, these predictions have yet to be confirmed by functional studies. The variant allele was found at a frequency of 0.0018 in 248568 control chromosomes, predominantly at a frequency of 0.003 within the Non-Finnish European subpopulation in the gnomAD database. The observed variant frequency within Non-Finnish European control individuals in the gnomAD database is approximately 8 fold of the estimated maximal expected allele frequency for a pathogenic variant in TTN causing Dilated Cardiomyopathy phenotype (0.00039), strongly suggesting that the variant is a benign polymorphism found primarily in populations of Non-Finnish European origin. c.80003-4G>T has been reported in the literature (example: Campuzano_2015). This report however, does not provide unequivocal conclusions about association of the variant with Dilated Cardiomyopathy. To our knowledge, no experimental evidence demonstrating an impact on protein function has been reported. Eight ClinVar submitters (evaluation after 2014) cite the variant as likely benign/benign (n=6) or uncertain significance (n=2). Based on the evidence outlined above, the variant was classified as benign.

CHEO Genetics Diagnostic Laboratory, Children's Hospital of Eastern Ontario
Classification: Benign for Cardiomyopathy. Last evaluated: 2020-01-20. Review status: criteria provided, single submitter. Criteria: ACMG Guidelines, 2015. Collection method: clinical testing. Allele origin: germline. Study: Canadian Open Genetics Repository.

Illumina Laboratory Services, Illumina
Classification: Uncertain significance for Autosomal recessive limb-girdle muscular dystrophy type 2J. Last evaluated: 2018-01-12. Review status: criteria provided, single submitter. Criteria: ICSL Variant Classification Criteria 13 December 2019. Collection method: clinical testing. Allele origin: germline.

Illumina Laboratory Services, Illumina
Classification: Benign for Myopathy, myofibrillar, 9, with early respiratory failure. Last evaluated: 2018-01-12. Review status: criteria provided, single submitter. Criteria: ICSL Variant Classification Criteria 13 December 2019. Collection method: clinical testing. Allele origin: germline.
Comment: This variant was observed in the ICSL laboratory as part of a predisposition screen in an ostensibly healthy population. It had not been previously curated by ICSL or reported in the Human Gene Mutation Database (HGMD: prior to June 1st, 2018), and was therefore a candidate for classification through an automated scoring system. Utilizing variant allele frequency, disease prevalence and penetrance estimates, and inheritance mode, an automated score was calculated to assess if this variant is too frequent to cause the disease. Based on the score and internal cut-off values, a variant classified as benign is not then subjected to further curation. The score for this variant resulted in a classification of benign for this disease.

Illumina Laboratory Services, Illumina
Classification: Benign for Tibial muscular dystrophy. Last evaluated: 2018-01-12. Review status: criteria provided, single submitter. Criteria: ICSL Variant Classification Criteria 13 December 2019. Collection method: clinical testing. Allele origin: germline.
Comment: the same text as in the submission from Illumina Laboratory Services, Illumina above.

Illumina Laboratory Services, Illumina
Classification: Uncertain significance for Dilated cardiomyopathy 1G. Last evaluated: 2018-01-12. Review status: criteria provided, single submitter. Criteria: ICSL Variant Classification Criteria 13 December 2019. Collection method: clinical testing. Allele origin: germline.

Illumina Laboratory Services, Illumina
Classification: Uncertain significance for Early-onset myopathy with fatal cardiomyopathy. Last evaluated: 2018-01-12. Review status: criteria provided, single submitter. Criteria: ICSL Variant Classification Criteria 13 December 2019. Collection method: clinical testing. Allele origin: germline.

Laboratory for Molecular Medicine, Mass General Brigham Personalized Medicine
Classification: Benign. Last evaluated: 2017-08-23. Review status: criteria provided, single submitter. Criteria: LMM Criteria. Collection method: clinical testing. Allele origin: germline. Observed: 6 variant alleles.
Comment: c.80003-4G>T in intron 277 of TTN: This variant is not expected to have clinical significance because it is not located within the splice consensus sequence. It has been identified in 0.3% (370/125908) of European chromosomes by the Genome Aggregation Database (gnomAD; dbSNP rs20177095 9).

Eurofins Ntd Llc (ga)
Classification: Likely benign. Last evaluated: 2015-09-22. Review status: criteria provided, single submitter. Criteria: EGL Classification Definitions 2015. Collection method: clinical testing. Allele origin: germline. Observed: 1 variant allele, 1 heterozygote.

GeneDx
Classification: Benign. Last evaluated: 2013-10-30. Review status: criteria provided, single submitter. Criteria: GeneDx Variant Classification (06012015). Collection method: clinical testing. Allele origin: germline. Affected: yes.
Comment: This variant is considered likely benign or benign based on one or more of the following criteria: it is a conservative change, it occurs at a poorly conserved position in the protein, it is predicted to be benign by multiple in silico algorithms, and/or has population frequency not consistent with disease.

Ambry Genetics
Classification: Likely benign for Cardiovascular phenotype. Last evaluated: 2013-01-28. Review status: criteria provided, single submitter. Criteria: Ambry Autosomal Dominant and X-Linked criteria (10/2015). Collection method: clinical testing. Allele origin: germline. Observed: 1 variant allele.

Clinical Genetics DNA and cytogenetics Diagnostics Lab, Erasmus MC, Erasmus Medical Center
Classification: Likely benign. Review status: no assertion criteria provided. Collection method: clinical testing. Allele origin: germline. Affected: yes. Study: VKGL Data-share Consensus. Not counted in ClinVar's aggregate classification.

Clinical Genetics, Academic Medical Center
Classification: Benign. Review status: no assertion criteria provided. Collection method: clinical testing. Allele origin: germline. Affected: yes. Study: VKGL Data-share Consensus. Not counted in ClinVar's aggregate classification.

Diagnostic Laboratory, Department of Genetics, University Medical Center Groningen
Classification: Likely benign. Review status: no assertion criteria provided. Collection method: clinical testing. Allele origin: germline. Affected: yes. Study: VKGL Data-share Consensus. Not counted in ClinVar's aggregate classification.

Genome Diagnostics Laboratory, University Medical Center Utrecht
Classification: Likely benign. Review status: no assertion criteria provided. Collection method: clinical testing. Allele origin: germline. Affected: yes. Study: VKGL Data-share Consensus. Not counted in ClinVar's aggregate classification.

Joint Genome Diagnostic Labs from Nijmegen and Maastricht, Radboudumc and MUMC+
Classification: Benign. Review status: no assertion criteria provided. Collection method: clinical testing. Allele origin: germline. Affected: yes. Study: VKGL Data-share Consensus. Not counted in ClinVar's aggregate classification.

Laboratory of Diagnostic Genome Analysis, Leiden University Medical Center (LUMC)
Classification: Likely benign. Review status: no assertion criteria provided. Collection method: clinical testing. Allele origin: germline. Affected: yes. Study: VKGL Data-share Consensus. Not counted in ClinVar's aggregate classification.

Literature cited by the submitters: PubMed 27843123 (cited by Athena Diagnostics and Women's Health and Genetics/Laboratory Corporation of America, LabCorp); PubMed 26516846 (cited by Athena Diagnostics and Women's Health and Genetics/Laboratory Corporation of America, LabCorp).